The following is an entry in ClinVar:

NM_007126.5(VCP):c.1864G>T (p.Ala622Ser)

Gene: VCP (valosin containing protein; minus strand). Cytogenetic location: 9p13.3.
Variant type: single nucleotide variant.
Coding change: c.1864G>T on transcript NM_007126.5 (MANE Select); coding-DNA position 1864, G replaced by T.
Protein change: p.Ala622Ser; replaces alanine 622 with serine.
Molecular consequence: missense variant.
Genome position (GRCh38, 1-based): chr9:35,059,633, C>A on the plus strand (G>T on the coding strand, the complement: VCP is on the minus strand). VCF-style: chr9-35059633-C-A. GRCh37 (hg19) VCF-style: chr9-35059630-C-A.
Other names: c.1729G>T, p.Ala577Ser (NM_001354927.2, NM_001354928.2); short protein forms A577S, A622S.
Identifiers: ClinVar variation 972527 (VCV000972527.10), dbSNP rs1828681453, ClinGen allele CA373275704.

ClinVar aggregate classification (germline): Uncertain significance (1 of 4 stars; one submission).

Conditions:
Frontotemporal dementia and/or amyotrophic lateral sclerosis 6 (FTDALS6). Also called: VCP-Related Amyotrophic Lateral Sclerosis; VCP-Related Amyotrophic Lateral Sclerosis/Frontotemporal Dementia. Identifiers: Orphanet 275872, Orphanet 803, MedGen C5436279, MONDO:0013501, OMIM 613954.
Inclusion body myopathy with Paget disease of bone and frontotemporal dementia. Also called: Inclusion body myopathy with early-onset Paget disease and frontotemporal dementia. Identifiers: Orphanet 52430, MedGen C1833662, MONDO:0000507.

Submission:

Labcorp Genetics (formerly Invitae), Labcorp
Classification: Uncertain significance for Inclusion body myopathy with Paget disease of bone and frontotemporal dementia; Frontotemporal dementia and/or amyotrophic lateral sclerosis 6. Last evaluated: 2022-08-10. Review status: criteria provided, single submitter. Criteria: Invitae Variant Classification Sherloc (09022015). Collection method: clinical testing. Allele origin: germline.
Comment: This variant is not present in population databases (gnomAD no frequency). This sequence change replaces alanine, which is neutral and non-polar, with serine, which is neutral and polar, at codon 622 of the VCP protein (p.Ala622Ser). This variant has not been reported in the literature in individuals affected with VCP-related conditions. ClinVar contains an entry for this variant (Variation ID: 972527). Advanced modeling of protein sequence and biophysical properties (such as structural, functional, and spatial information, amino acid conservation, physicochemical variation, residue mobility, and thermodynamic stability) performed at Invitae indicates that this missense variant is expected to disrupt VCP protein function. In summary, the available evidence is currently insufficient to determine the role of this variant in disease. Therefore, it has been classified as a Variant of Uncertain Significance.